The following is an entry in ClinVar:

ClinVar aggregate classification (germline): Uncertain significance (1 of 4 stars; one submission).

Submission:

GeneDx
Classification: Uncertain significance. Last evaluated: 2019-08-22. Review status: criteria provided, single submitter. Criteria: GeneDx Variant Classification Process June 2021. Collection method: clinical testing. Allele origin: germline. Affected: yes.
Comment: Not observed in large population cohorts (Lek et al., 2016); In silico analysis, which includes protein predictors and evolutionary conservation, supports a deleterious effect; Has not been previously published as pathogenic or benign to our knowledge

NM_021072.4(HCN1):c.1094C>A (p.Ala365Asp)

Gene: HCN1 (hyperpolarization activated cyclic nucleotide gated potassium channel 1; minus strand). Cytogenetic location: 5p12.
Variant type: single nucleotide variant.
Coding change: c.1094C>A on transcript NM_021072.4 (MANE Select); coding-DNA position 1094, C replaced by A.
Protein change: p.Ala365Asp; replaces alanine 365 with aspartic acid.
Molecular consequence: missense variant.
Genome position (GRCh38, 1-based): chr5:45,396,628, G>T on the plus strand (C>A on the coding strand, the complement: HCN1 is on the minus strand). VCF-style: chr5-45396628-G-T. GRCh37 (hg19) VCF-style: chr5-45396730-G-T.
Other names: short protein forms A365D.
Identifiers: ClinVar variation 1307953 (VCV001307953.2), dbSNP rs1739693084, ClinGen allele CA359705444.